The following is an entry in ClinVar:

ClinVar aggregate classification (germline): Conflicting classifications of pathogenicity. Review status: criteria provided, conflicting classifications (1 of 4 stars). 5 submissions from 5 submitters: Uncertain significance (4); Benign (1). Last evaluated 2026-08-31.

Conditions:
IFT27-related disorder. Also called: IFT27-related condition.
Bardet-Biedl syndrome 19 (BBS19). Identifiers: Orphanet 110, MedGen C3889475, MONDO:0014447, OMIM 615996.
Inborn genetic diseases. Identifiers: MedGen C0950123, MeSH D030342.

Allele frequency attached by ClinVar (database versions not stated): gnomAD 0.00001; gnomAD exomes 0.00004 and 0.00012; TOPMed 0.00005; ExAC 0.00014.
gnomAD v4.1: 52 of 1,573,202 alleles (0.0033%); highest among the groups gnomAD compares: East Asian, 0.1%; no homozygotes.

Submissions (5):

PreventionGenetics, part of Exact Sciences
Classification: Uncertain significance for IFT27-related condition. Last evaluated: 2026-08-31. Review status: criteria provided, single submitter. Criteria: ACMG Guidelines, 2015. Collection method: clinical testing. Allele origin: germline.
Comment: The IFT27 c.449A>G variant is predicted to result in the amino acid substitution p.Glu150Gly. To our knowledge, this variant has not been reported in the literature. This variant is reported in 0.14% of alleles in individuals of East Asian descent in gnomAD, which may be too frequent to be a primary cause of disease. Although we suspect that this variant may be benign, at this time, the clinical significance of this variant is uncertain due to the absence of conclusive functional and genetic evidence.

Blueprint Genetics
Classification: Benign. Last evaluated: 2024-05-15. Review status: criteria provided, single submitter. Criteria: ACMG Guidelines, 2015. Collection method: clinical testing. Allele origin: germline.

Ambry Genetics
Classification: Uncertain significance for Inborn genetic diseases. Last evaluated: 2024-04-23. Review status: criteria provided, single submitter. Criteria: Ambry Variant Classification Scheme 2023. Collection method: clinical testing. Allele origin: germline.

Labcorp Genetics (formerly Invitae), Labcorp
Classification: Uncertain significance. Last evaluated: 2023-07-17. Review status: criteria provided, single submitter. Criteria: Invitae Variant Classification Sherloc (09022015). Collection method: clinical testing. Allele origin: germline.
Comment: This sequence change replaces glutamic acid, which is acidic and polar, with glycine, which is neutral and non-polar, at codon 150 of the IFT27 protein (p.Glu150Gly). This variant is present in population databases (rs748967811, gnomAD 0.1%). This variant has not been reported in the literature in individuals affected with IFT27-related conditions. ClinVar contains an entry for this variant (Variation ID: 938257). Advanced modeling of protein sequence and biophysical properties (such as structural, functional, and spatial information, amino acid conservation, physicochemical variation, residue mobility, and thermodynamic stability) performed at Invitae indicates that this missense variant is expected to disrupt IFT27 protein function. In summary, the available evidence is currently insufficient to determine the role of this variant in disease. Therefore, it has been classified as a Variant of Uncertain Significance.

Juno Genomics, Hangzhou Juno Genomics, Inc
Classification: Uncertain significance for Bardet-Biedl syndrome 19. Review status: criteria provided, single submitter. Criteria: ACMG Guidelines, 2015. Collection method: clinical testing. Allele origin: germline.
Comment: Absent from controls (or at extremely low frequency if recessive) in Genome Aggregation Database.;Multiple lines of computational evidence support a deleterious effect on the gene or gene product.

NM_001177701.3(IFT27):c.452A>G (p.Glu151Gly)

Genes: CACNG2-DT (CACNG2 divergent transcript; plus strand), IFT27 (intraflagellar transport 27; minus strand). Cytogenetic location: 22q12.3.
Variant type: single nucleotide variant.
Coding change: c.452A>G on transcript NM_001177701.3 (MANE Select); coding-DNA position 452, A replaced by G.
Protein change: p.Glu151Gly; replaces glutamic acid 151 with glycine.
Molecular consequence: missense variant.
Genome position (GRCh38, 1-based): chr22:36,762,914, T>C on the plus strand (A>G on the coding strand, the complement: IFT27 is on the minus strand). VCF-style: chr22-36762914-T-C. GRCh37 (hg19) VCF-style: chr22-37158958-T-C.
Other names: c.452A>G (NM_001177701.1); c.452A>G, p.Glu151Gly (NM_001363003.2); c.449A>G, p.Glu150Gly (NM_006860.5); short protein forms E150G, E151G.
Identifiers: ClinVar variation 938257 (VCV000938257.12), dbSNP rs748967811, ClinGen allele CA10212343.